The following is an entry in ClinVar:

NM_000152.5(GAA):c.693-1G>C

Gene: GAA (alpha glucosidase; plus strand). Cytogenetic location: 17q25.3.
Variant type: single nucleotide variant.
Coding change: c.693-1G>C on transcript NM_000152.5 (MANE Select); the canonical splice acceptor site of the intron before coding-DNA position 693, G replaced by C.
Molecular consequence: splice acceptor variant.
Genome position (GRCh38, 1-based): chr17:80,107,556, G>C. VCF-style: chr17-80107556-G-C. GRCh37 (hg19) VCF-style: chr17-78081355-G-C.
Other names: c.693-1G>C (NM_001406741.1, NM_001406742.1, NM_001079803.3 and 1 more transcripts).
Identifiers: ClinVar variation 1500390 (VCV001500390.7), dbSNP rs2143845687, ClinGen allele CA401362948.
Genomic context (GRCh38, chr17:80,107,556, plus strand): 5'-TGCTCTCAGGCTCGTGTGGCCCCTTGGGTGTGAGCAAGCCTGGCTGGCCTCTGTCCCGCA[G>C]GCTGAACACGACGGTGGCGCCCCTGTTCTTTGCGGACCAGTTCCTTCAGCTGTCCACCTC-3'

ClinVar aggregate classification (germline): Pathogenic/Likely pathogenic. Review status: criteria provided, multiple submitters, no conflicts (2 of 4 stars). 2 submissions from 2 submitters: Pathogenic (1); Likely pathogenic (1). Last evaluated 2026-07-01.

Conditions:
Glycogen storage disease, type II (IOPD). Also called: CARDIOMEGALIA GLYCOGENICA DIFFUSA; GLYCOGENOSIS, GENERALIZED, CARDIAC FORM; GSD II; Glycogen storage disease type 2; Acid maltase deficiency disease; Aglucosidase alfa. Identifiers: Orphanet 365, MedGen C0017921, MONDO:0009290, OMIM 232300.

Submissions (2):

Genomenon, Inc
Classification: Pathogenic for Glycogen storage disease, type II. Last evaluated: 2026-07-01. Review status: criteria provided, single submitter. Criteria: Genomenon Sequence Variant Interpretation Standards - Updated. Collection method: curation. Allele origin: germline. Affected: yes.
Comment: GAA c.693-1G>C is a canonical splice variant affecting the acceptor splice site of intron 3. It is predicted to affect mRNA splicing, leading to a deleterious effect on the GAA protein. This variant has been observed in at least one proband with a GAA-related disorder (PMID:22981821). It is absent or not present at a significant frequency in gnomAD. In conclusion, we classify GAA c.693-1G>C as a pathogenic variant.

Labcorp Genetics (formerly Invitae), Labcorp
Classification: Likely pathogenic for Glycogen storage disease, type II. Last evaluated: 2021-08-15. Review status: criteria provided, single submitter. Criteria: Invitae Variant Classification Sherloc (09022015). Collection method: clinical testing. Allele origin: germline.
Comment: This sequence change affects an acceptor splice site in intron 3 of the GAA gene. It is expected to disrupt RNA splicing. Variants that disrupt the donor or acceptor splice site typically lead to a loss of protein function (PMID: 16199547), and loss-of-function variants in GAA are known to be pathogenic (PMID: 18425781, 22252923). This variant is not present in population databases (ExAC no frequency). Disruption of this splice site has been observed in individual(s) with Pompe disease (PMID: 30155607). Algorithms developed to predict the effect of sequence changes on RNA splicing suggest that this variant may disrupt the consensus splice site. In summary, the currently available evidence indicates that the variant is pathogenic, but additional data are needed to prove that conclusively. Therefore, this variant has been classified as Likely Pathogenic.

Literature cited by the submitters: PubMed 22981821 (cited by Genomenon, Inc); PubMed 16199547 (cited by Labcorp Genetics (formerly Invitae), Labcorp); PubMed 18425781 (cited by Labcorp Genetics (formerly Invitae), Labcorp); PubMed 22252923 (cited by Labcorp Genetics (formerly Invitae), Labcorp); PubMed 30155607 (cited by Labcorp Genetics (formerly Invitae), Labcorp).